The following is an entry in ClinVar:

NM_000095.3(COMP):c.391-3C>T

Gene: COMP (cartilage oligomeric matrix protein; minus strand). Cytogenetic location: 19p13.11.
Variant type: single nucleotide variant.
Coding change: c.391-3C>T on transcript NM_000095.3 (MANE Select); 3 bases into the intron before coding-DNA position 391, C replaced by T.
Molecular consequence: intron variant.
Genome position (GRCh38, 1-based): chr19:18,789,300, G>A on the plus strand (C>T on the coding strand, the complement: COMP is on the minus strand). VCF-style: chr19-18789300-G-A. GRCh37 (hg19) VCF-style: chr19-18900109-G-A.
Identifiers: ClinVar variation 2785438 (VCV002785438.3), dbSNP rs2512853359, ClinGen allele CA2583623233.
Genomic context (GRCh38, chr19:18,789,300, plus strand): 5'-GGAACCCCGGGCTGGTGTTGATACAGCGGACTCGGGGGAAGCAGGGGTGGGCGTTGCACT[G>A]GGGGAGGAGGGGCCACAGAGGGTCAGAGGGCTTCGAGCTGGGCCCTGGGGGCCGCACCTC-3'

ClinVar aggregate classification (germline): Uncertain significance (1 of 4 stars; one submission).

Allele frequency attached by ClinVar (database versions not stated): gnomAD exomes below 0.00001.
gnomAD v4.1: 1 of 1,481,568 alleles (0.000067%); highest among the groups gnomAD compares: Admixed American, 0.0026%; no homozygotes.

Submission:

Labcorp Genetics (formerly Invitae), Labcorp
Classification: Uncertain significance. Last evaluated: 2023-01-07. Review status: criteria provided, single submitter. Criteria: Invitae Variant Classification Sherloc (09022015). Collection method: clinical testing. Allele origin: germline.
Comment: In summary, the available evidence is currently insufficient to determine the role of this variant in disease. Therefore, it has been classified as a Variant of Uncertain Significance. Variants that disrupt the consensus splice site are a relatively common cause of aberrant splicing (PMID: 17576681, 9536098). Algorithms developed to predict the effect of sequence changes on RNA splicing suggest that this variant is not likely to affect RNA splicing. This variant has not been reported in the literature in individuals affected with COMP-related conditions. This variant is not present in population databases (gnomAD no frequency). This sequence change falls in intron 4 of the COMP gene. It does not directly change the encoded amino acid sequence of the COMP protein. It affects a nucleotide within the consensus splice site.

Literature cited by the submitters: PubMed 17576681; PubMed 9536098.